The following is an entry in ClinVar:

NM_006941.4(SOX10):c.594_595del (p.Gly199fs)

Genes: POLR2F (RNA polymerase II, I and III subunit F; plus strand), SOX10 (SRY-box transcription factor 10; minus strand). Cytogenetic location: 22q13.1.
Variant type: Deletion.
Coding change: c.594_595del on transcript NM_006941.4 (MANE Select); coding-DNA positions 594 to 595, 2 bases deleted (TG; older notation c.594_595delTG).
Protein change: p.Gly199fs; shifts the reading frame from glycine 199.
Molecular consequence: frameshift variant. On other transcripts: intron variant (3).
Genome position (GRCh38, 1-based): chr22:37,977,969-37,977,970, CA deleted on the plus strand (TG on the coding strand, the reverse complement: SOX10 is on the minus strand); deleting any 2 consecutive bases within chr22:37,977,969-37,977,971 gives the same sequence; the c. name uses the placement nearest the transcript's 3' end. VCF-style (leftmost placement, unchanged base first): chr22-37977968-CCA-C. GRCh37 (hg19) VCF-style: chr22-38373975-CCA-C.
Other names: c.*38+5660_*38+5661del (NM_001363825.1); c.294-8184_294-8183del (NM_001301130.2); c.293+10800_293+10801del (NM_001301131.2); short protein forms G199fs.
Identifiers: ClinVar variation 4292932 (VCV004292932.1).

ClinVar aggregate classification (germline): Likely pathogenic (1 of 4 stars; one submission).

Conditions:
SOX10-related disorder. Also called: SOX10-related condition.

Submission:

3billion
Classification: Likely pathogenic for SOX10-related disorder. Last evaluated: 2024-06-16. Review status: criteria provided, single submitter. Criteria: ACMG Guidelines, 2015. Collection method: clinical testing. Allele origin: germline. Affected: yes.
Comment: The variant is not observed in the gnomAD v4.0.0 dataset. Predicted Consequence/Location: Frameshift: predicted to result in a loss or disruption of normal protein function through nonsense-mediated decay (NMD) or protein truncation. Multiple pathogenic variants are reported downstream of the variant. Therefore, this variant is classified as Likely pathogenic according to the recommendation of ACMG/AMP guideline.